The following is an entry in ClinVar:

NM_006939.4(SOS2):c.3958T>C (p.Tyr1320His)

Gene: SOS2 (SOS Ras/Rho guanine nucleotide exchange factor 2; minus strand). Cytogenetic location: 14q21.3.
Variant type: single nucleotide variant.
Coding change: c.3958T>C on transcript NM_006939.4 (MANE Select); coding-DNA position 3958, T replaced by C.
Protein change: p.Tyr1320His; replaces tyrosine 1320 with histidine.
Molecular consequence: missense variant.
Genome position (GRCh38, 1-based): chr14:50,118,385, A>G on the plus strand (T>C on the coding strand, the complement: SOS2 is on the minus strand). VCF-style: chr14-50118385-A-G. GRCh37 (hg19) VCF-style: chr14-50585103-A-G.
Other names: c.3958T>C (NM_006939.2); short protein forms Y1320H.
Identifiers: ClinVar variation 1383572 (VCV001383572.7), dbSNP rs950322034, ClinGen allele CA260703802.

ClinVar aggregate classification (germline): Uncertain significance. Review status: criteria provided, multiple submitters, no conflicts (2 of 4 stars). 2 submissions from 2 submitters: Uncertain significance (2). Last evaluated 2024-01-11.

Conditions:
Noonan syndrome 9 (NS9). Identifiers: Orphanet 648, MedGen C4225282, MONDO:0014691, OMIM 616559.
Cardiovascular phenotype. Identifiers: MedGen CN230736.

Allele frequency attached by ClinVar (database versions not stated): gnomAD exomes below 0.00001; TOPMed below 0.00001; gnomAD 0.00001.
gnomAD v4.1: 6 of 1,614,044 alleles (0.00037%); highest among the groups gnomAD compares: Non-Finnish European, 0.00051%; no homozygotes.

Submissions (2):

Ambry Genetics
Classification: Uncertain significance for Cardiovascular phenotype. Last evaluated: 2024-01-11. Review status: criteria provided, single submitter. Criteria: Ambry Variant Classification Scheme 2023. Collection method: clinical testing. Allele origin: germline.
Comment: The p.Y1320H variant (also known as c.3958T>C), located in coding exon 23 of the SOS2 gene, results from a T to C substitution at nucleotide position 3958. The tyrosine at codon 1320 is replaced by histidine, an amino acid with similar properties. This amino acid position is conserved. In addition, this alteration is predicted to be tolerated by in silico analysis. Since supporting evidence is limited at this time, the clinical significance of this alteration remains unclear.

Labcorp Genetics (formerly Invitae), Labcorp
Classification: Uncertain significance for Noonan syndrome 9. Last evaluated: 2021-07-31. Review status: criteria provided, single submitter. Criteria: Invitae Variant Classification Sherloc (09022015). Collection method: clinical testing. Allele origin: germline.
Comment: Advanced modeling of protein sequence and biophysical properties (such as structural, functional, and spatial information, amino acid conservation, physicochemical variation, residue mobility, and thermodynamic stability) performed at Invitae indicates that this missense variant is not expected to disrupt SOS2 protein function. This variant has not been reported in the literature in individuals affected with SOS2-related conditions. This variant is not present in population databases (ExAC no frequency). This sequence change replaces tyrosine with histidine at codon 1320 of the SOS2 protein (p.Tyr1320His). The tyrosine residue is weakly conserved and there is a moderate physicochemical difference between tyrosine and histidine. In summary, the available evidence is currently insufficient to determine the role of this variant in disease. Therefore, it has been classified as a Variant of Uncertain Significance.